The following is an entry in ClinVar:

ClinVar aggregate classification (germline): Uncertain significance. Review status: criteria provided, single submitter (1 of 4 stars). 2 submissions from 2 submitters: Uncertain significance (1). 1 of the submissions does not count toward it. Last evaluated 2024-03-05.

Conditions:
CEBPE-related disorder. Also called: CEBPE-related condition.

Allele frequency attached by ClinVar (database versions not stated): gnomAD exomes 0.00001.

Submissions (2):

Blueprint Genetics
Classification: Uncertain significance. Last evaluated: 2024-03-05. Review status: criteria provided, single submitter. Criteria: ACMG Guidelines, 2015. Collection method: clinical testing. Allele origin: germline.

PreventionGenetics, part of Exact Sciences
Classification: Uncertain significance for CEBPE-related condition. Last evaluated: 2024-02-06. Review status: no assertion criteria provided. Collection method: clinical testing. Allele origin: germline. Not counted in ClinVar's aggregate classification.
Comment: The CEBPE c.218G>T variant is predicted to result in the amino acid substitution p.Gly73Val. To our knowledge, this variant has not been reported in the literature or in a large population database, indicating this variant is rare. At this time, the clinical significance of this variant is uncertain due to the absence of conclusive functional and genetic evidence.

NM_001805.4(CEBPE):c.218G>T (p.Gly73Val)

Gene: CEBPE (CCAAT enhancer binding protein epsilon; minus strand). Cytogenetic location: 14q11.2.
Variant type: single nucleotide variant.
Coding change: c.218G>T on transcript NM_001805.4 (MANE Select); coding-DNA position 218, G replaced by T.
Protein change: p.Gly73Val; replaces glycine 73 with valine.
Molecular consequence: missense variant.
Genome position (GRCh38, 1-based): chr14:23,118,874, C>A on the plus strand (G>T on the coding strand, the complement: CEBPE is on the minus strand). VCF-style: chr14-23118874-C-A. GRCh37 (hg19) VCF-style: chr14-23588083-C-A.
Other names: short protein forms G73V.
Identifiers: ClinVar variation 3030105 (VCV003030105.3), dbSNP rs2501820761, ClinGen allele CA388953498.